The following is an entry in ClinVar:

ClinVar aggregate classification (germline): Likely benign. Review status: criteria provided, multiple submitters, no conflicts (2 of 4 stars). 2 submissions from 2 submitters: Likely benign (2). Last evaluated 2025-12-03.

Conditions:
KCNV2-related disorder. Also called: KCNV2-related condition.

Allele frequency attached by ClinVar (database versions not stated): gnomAD exomes below 0.00001; gnomAD 0.00002.
gnomAD v4.1: 6 of 1,613,068 alleles (0.00037%); highest among the groups gnomAD compares: African/African-American, 0.0013%; no homozygotes.

Submissions (2):

PreventionGenetics, part of Exact Sciences
Classification: Likely benign for KCNV2-related condition. Last evaluated: 2025-12-03. Review status: criteria provided, single submitter. Criteria: ACMG Guidelines, 2015. Collection method: clinical testing. Allele origin: germline.
Comment: This variant is classified as likely benign based on ACMG/AMP sequence variant interpretation guidelines (Richards et al. 2015 PMID: 25741868, with internal and published modifications).

Labcorp Genetics (formerly Invitae), Labcorp
Classification: Likely benign. Last evaluated: 2022-10-01. Review status: criteria provided, single submitter. Criteria: Invitae Variant Classification Sherloc (09022015). Collection method: clinical testing. Allele origin: germline.

NM_133497.4(KCNV2):c.969C>T (p.Ser323=)

Gene: KCNV2 (potassium voltage-gated channel modifier subfamily V member 2; plus strand). Cytogenetic location: 9p24.2.
Variant type: single nucleotide variant.
Coding change: c.969C>T on transcript NM_133497.4 (MANE Select); coding-DNA position 969, C replaced by T.
Protein change: p.Ser323=; no amino-acid change (serine 323 retained).
Molecular consequence: synonymous variant.
Genome position (GRCh38, 1-based): chr9:2,718,708, C>T. VCF-style: chr9-2718708-C-T. GRCh37 (hg19) VCF-style: chr9-2718708-C-T.
Other names: c.969C>T (NM_133497.3).
Identifiers: ClinVar variation 1108435 (VCV001108435.11), dbSNP rs1360001250, ClinGen allele CA463853533.